The following is an entry in ClinVar:

ClinVar aggregate classification (germline): Uncertain significance (1 of 4 stars; one submission).

Allele frequency attached by ClinVar (database versions not stated): ExAC 0.00001; TOPMed 0.00003; gnomAD 0.00005.

Submission:

Ambry Genetics
Classification: Uncertain significance. Last evaluated: 2023-09-23. Review status: criteria provided, single submitter. Criteria: Ambry Variant Classification Scheme 2023. Collection method: clinical testing. Allele origin: germline.
Comment: The p.Q719R variant (also known as c.2156A>G), located in coding exon 18 of the BUB1 gene, results from an A to G substitution at nucleotide position 2156. The glutamine at codon 719 is replaced by arginine, an amino acid with highly similar properties. This amino acid position is conserved. In addition, this alteration is predicted to be tolerated by in silico analysis. Since supporting evidence is limited at this time, the clinical significance of this alteration remains unclear.

NM_004336.5(BUB1):c.2156A>G (p.Gln719Arg)

Gene: BUB1 (BUB1 mitotic checkpoint serine/threonine kinase; minus strand). Cytogenetic location: 2q13.
Variant type: single nucleotide variant.
Coding change: c.2156A>G on transcript NM_004336.5 (MANE Select); coding-DNA position 2156, A replaced by G.
Protein change: p.Gln719Arg; replaces glutamine 719 with arginine.
Molecular consequence: missense variant.
Genome position (GRCh38, 1-based): chr2:110,650,593, T>C on the plus strand (A>G on the coding strand, the complement: BUB1 is on the minus strand). VCF-style: chr2-110650593-T-C. GRCh37 (hg19) VCF-style: chr2-111408170-T-C.
Other names: c.2096A>G, p.Gln699Arg (NM_001278616.2); c.2156A>G, p.Gln719Arg (NM_001278617.2); short protein forms Q699R, Q719R.
Identifiers: ClinVar variation 1786817 (VCV001786817.2), dbSNP rs763057015, ClinGen allele CA1827882.